The following is an entry in ClinVar:

ClinVar aggregate classification (germline): Pathogenic. Review status: criteria provided, single submitter (1 of 4 stars). 2 submissions from 2 submitters: Pathogenic (1). 1 of the submissions does not count toward it. Last evaluated 2022-10-17.

Conditions:
Retinal dystrophy. Also called: Inherited retinal dystrophy. Identifiers: Orphanet 71862, MedGen C0854723, MeSH D058499, MONDO:0019118, HP:0000556.

Submissions (2):

Labcorp Genetics (formerly Invitae), Labcorp
Classification: Pathogenic. Last evaluated: 2022-10-17. Review status: criteria provided, single submitter. Criteria: Invitae Variant Classification Sherloc (09022015). Collection method: clinical testing. Allele origin: germline.
Comment: This variant is not present in population databases (gnomAD no frequency). This sequence change creates a premature translational stop signal (p.Tyr245*) in the RP2 gene. It is expected to result in an absent or disrupted protein product. Loss-of-function variants in RP2 are known to be pathogenic (PMID: 11992260, 20625056). This variant has not been reported in the literature in individuals affected with RP2-related conditions. For these reasons, this variant has been classified as Pathogenic.

Institute of Human Genetics, Univ. Regensburg, Univ. Regensburg
Classification: Pathogenic for Retinal dystrophy. Last evaluated: 2021-01-01. Review status: no assertion criteria provided. Criteria: ACMG Guidelines, 2015. Collection method: clinical testing. Allele origin: germline. Affected: yes. Not counted in ClinVar's aggregate classification.

Literature cited by the submitters: PubMed 11992260 (cited by Labcorp Genetics (formerly Invitae), Labcorp); PubMed 20625056 (cited by Labcorp Genetics (formerly Invitae), Labcorp).

NM_006915.3(RP2):c.735C>G (p.Tyr245Ter)

Gene: RP2 (RP2 activator of ARL3 GTPase; plus strand). Cytogenetic location: Xp11.3.
Variant type: single nucleotide variant.
Coding change: c.735C>G on transcript NM_006915.3 (MANE Select); coding-DNA position 735, C replaced by G.
Protein change: p.Tyr245Ter; replaces tyrosine 245 with a stop codon.
Molecular consequence: nonsense.
Genome position (GRCh38, 1-based): chrX:46,854,108, C>G. VCF-style: chrX-46854108-C-G. GRCh37 (hg19) VCF-style: chrX-46713543-C-G.
Other names: short protein forms Y245*.
Identifiers: ClinVar variation 1992509 (VCV001992509.5), dbSNP rs1490594879, ClinGen allele CA413040600.